The following is an entry in ClinVar:

ClinVar aggregate classification (germline): Uncertain significance (1 of 4 stars; one submission).

Allele frequency attached by ClinVar (database versions not stated): gnomAD 0.00001; ESP Exome Variant Server 0.00008; ExAC 0.00001.
gnomAD v4.1: 2 of 1,613,198 alleles (0.00012%); highest among the groups gnomAD compares: African/African-American, 0.0013%; no homozygotes.

Submission:

GeneDx
Classification: Uncertain significance. Last evaluated: 2026-09-01. Review status: criteria provided, single submitter. Criteria: GeneDx Variant Classification Process June 2021. Collection method: clinical testing. Allele origin: germline.
Comment: In silico analysis supports that this missense variant has a deleterious effect on protein structure/function; Has not been previously published as pathogenic or benign to our knowledge

NM_022168.4(IFIH1):c.2483G>A (p.Ser828Asn)

Gene: IFIH1 (interferon induced with helicase C domain 1; minus strand). Cytogenetic location: 2q24.2.
Variant type: single nucleotide variant.
Coding change: c.2483G>A on transcript NM_022168.4 (MANE Select); coding-DNA position 2483, G replaced by A.
Protein change: p.Ser828Asn; replaces serine 828 with asparagine.
Molecular consequence: missense variant.
Genome position (GRCh38, 1-based): chr2:162,272,359, C>T on the plus strand (G>A on the coding strand, the complement: IFIH1 is on the minus strand). VCF-style: chr2-162272359-C-T. GRCh37 (hg19) VCF-style: chr2-163128869-C-T.
Other names: short protein forms S828N.
Identifiers: ClinVar variation 2443514 (VCV002443514.2), dbSNP rs372817657, ClinGen allele CA1934162.